The following is an entry in ClinVar:

NM_001083926.2(ASRGL1):c.-9T>C

Gene: ASRGL1 (asparaginase and isoaspartyl peptidase 1; plus strand). Cytogenetic location: 11q12.3.
Variant type: single nucleotide variant.
Coding change: c.-9T>C on transcript NM_001083926.2 (MANE Select); 9 bases upstream of the start codon, T replaced by C.
Molecular consequence: 5 prime UTR variant.
Genome position (GRCh38, 1-based): chr11:62,337,969, T>C. VCF-style: chr11-62337969-T-C. GRCh37 (hg19) VCF-style: chr11-62105441-T-C.
Other names: c.-9T>C (NM_025080.4).
Identifiers: ClinVar variation 3059422 (VCV003059422.2), dbSNP rs3741245, ClinGen allele CA6043067.

ClinVar aggregate classification (germline): Benign (0 of 4 stars; one submission).

Conditions:
ASRGL1-related disorder. Also called: ASRGL1-related condition.

Allele frequency attached by ClinVar (database versions not stated): ESP Exome Variant Server 0.25620; gnomAD 0.27336; TOPMed 0.27372; 1000 Genomes Project 0.28255; gnomAD exomes 0.28442; 1000 Genomes Project 30x 0.28560; ExAC 0.39700.
gnomAD v4.1: 448,474 of 1,586,362 alleles (28%); highest among the groups gnomAD compares: South Asian, 35%; 64,524 homozygotes.

Submission:

PreventionGenetics, part of Exact Sciences
Classification: Benign for ASRGL1-related condition. Last evaluated: 2019-11-04. Review status: no assertion criteria provided. Collection method: clinical testing. Allele origin: germline.
Comment: This variant is classified as benign based on ACMG/AMP sequence variant interpretation guidelines (Richards et al. 2015 PMID: 25741868, with internal and published modifications).